The following is an entry in ClinVar:

NM_005592.4(MUSK):c.946T>C (p.Tyr316His)

Gene: MUSK (muscle associated receptor tyrosine kinase; plus strand). Cytogenetic location: 9q31.3.
Variant type: single nucleotide variant.
Coding change: c.946T>C on transcript NM_005592.4 (MANE Select); coding-DNA position 946, T replaced by C.
Protein change: p.Tyr316His; replaces tyrosine 316 with histidine.
Molecular consequence: missense variant. On other transcripts: 5 prime UTR variant (1), intron variant (2).
Genome position (GRCh38, 1-based): chr9:110,767,845, T>C. VCF-style: chr9-110767845-T-C. GRCh37 (hg19) VCF-style: chr9-113530125-T-C.
Other names: c.-291T>C (NM_001369398.1); c.950+5637T>C (NM_001166280.2); c.920+5637T>C (NM_001166281.2); short protein forms Y316H.
Identifiers: ClinVar variation 951106 (VCV000951106.8), dbSNP rs757775674, ClinGen allele CA5184250.

ClinVar aggregate classification (germline): Uncertain significance (1 of 4 stars; one submission).

Conditions:
Fetal akinesia deformation sequence 1 (FADS1). Also called: Fetal akinesia sequence; Pena-Shokeir syndrome type I. Identifiers: Orphanet 994, MedGen C1276035, MONDO:0100101, OMIM 208150, HP:0001989.
Congenital myasthenic syndrome 9. Also called: Myasthenic syndrome, congenital, 9, associated with acetylcholine receptor deficiency. Identifiers: Orphanet 590, MedGen C4225368, MONDO:0014587, OMIM 616325.

Allele frequency attached by ClinVar (database versions not stated): gnomAD exomes below 0.00001; ExAC 0.00001.
gnomAD v4.1: 4 of 1,614,028 alleles (0.00025%); highest among the groups gnomAD compares: Non-Finnish European, 0.00034%; no homozygotes.

Submission:

Labcorp Genetics (formerly Invitae), Labcorp
Classification: Uncertain significance for Congenital myasthenic syndrome 9; Fetal akinesia deformation sequence 1. Last evaluated: 2025-09-24. Review status: criteria provided, single submitter. Criteria: Invitae Variant Classification Sherloc (09022015). Collection method: clinical testing. Allele origin: germline.
Comment: This sequence change replaces tyrosine, which is neutral and polar, with histidine, which is basic and polar, at codon 316 of the MUSK protein (p.Tyr316His). This variant is present in population databases (rs757775674, gnomAD 0.0009%). This variant has not been reported in the literature in individuals affected with MUSK-related conditions. ClinVar contains an entry for this variant (Variation ID: 951106). Invitae Evidence Modeling of protein sequence and biophysical properties (such as structural, functional, and spatial information, amino acid conservation, physicochemical variation, residue mobility, and thermodynamic stability) indicates that this missense variant is expected to disrupt MUSK protein function with a positive predictive value of 95%. In summary, the available evidence is currently insufficient to determine the role of this variant in disease. Therefore, it has been classified as a Variant of Uncertain Significance.